The following is an entry in ClinVar:

NM_003119.4(SPG7):c.1617del (p.Val540fs)

Gene: SPG7 (SPG7 matrix AAA peptidase subunit, paraplegin; plus strand). Cytogenetic location: 16q24.3.
Variant type: Deletion.
Coding change: c.1617del on transcript NM_003119.4 (MANE Select); coding-DNA position 1617, one base deleted (C; older notation c.1617delC).
Protein change: p.Val540fs; shifts the reading frame from valine 540.
Molecular consequence: frameshift variant.
Genome position (GRCh38, 1-based): chr16:89,548,067, C deleted; the last of 2 consecutive C bases (chr16:89,548,066-89,548,067); deleting either gives the same sequence. VCF-style (leftmost placement, unchanged base first): chr16-89548065-TC-T. GRCh37 (hg19) VCF-style: chr16-89614473-TC-T.
Other names: c.1617del, p.Val540fs (NM_001363850.1); c.1616delC (NM_003119.2); short protein forms V540fs.
Identifiers: ClinVar variation 265420 (VCV000265420.53), dbSNP rs762795756, ClinGen allele CA8244283.
Genomic context (GRCh38, chr16:89,548,065, plus strand): 5'-GCTGACATCGCCAACATCTGCAATGAGGCTGCGCTGCACGCGGCGCGGGAGGGACACACT[TC>T]CGTGCACACTCTCAACTTCGAGTACGCCGTGGAGCGCGTCCTCGCAGGTACAGGGGGCGC-3'

ClinVar aggregate classification (germline): Pathogenic. Review status: criteria provided, multiple submitters, no conflicts (2 of 4 stars). 7 submissions from 7 submitters: Pathogenic (6). 1 of the submissions does not count toward it. Last evaluated 2024-03-26.

Conditions:
Hereditary spastic paraplegia. Also called: Familial spastic paraparesis. Identifiers: Orphanet 685, MedGen C0037773, MONDO:0019064. Disease mechanism: loss of function.
Hereditary spastic paraplegia 7 (SPG7). Also called: SPASTIC PARAPLEGIA 7, AUTOSOMAL RECESSIVE, WITH OR WITHOUT CEREBELLAR ATAXIA; SPG7-related neurologic disorder; Spastic paraplegia 7; Hereditary spastic paraplegia Paraplegin type; Autosomal recessive spastic paraplegia type 7. Identifiers: Orphanet 99013, MedGen C1846564, MONDO:0011803, OMIM 607259.

Submissions (7):

Fulgent Genetics
Classification: Pathogenic for Hereditary spastic paraplegia 7. Last evaluated: 2024-03-26. Review status: criteria provided, single submitter. Criteria: ACMG Guidelines, 2015. Collection method: clinical testing. Allele origin: germline.

Labcorp Genetics (formerly Invitae), Labcorp
Classification: Pathogenic for Hereditary spastic paraplegia 7. Last evaluated: 2023-12-11. Review status: criteria provided, single submitter. Criteria: Invitae Variant Classification Sherloc (09022015). Collection method: clinical testing. Allele origin: germline.
Comment: This sequence change creates a premature translational stop signal (p.Val540Cysfs*52) in the SPG7 gene. It is expected to result in an absent or disrupted protein product. Loss-of-function variants in SPG7 are known to be pathogenic (PMID: 21623769, 22964162). This variant is present in population databases (rs762795756, gnomAD 0.007%). This premature translational stop signal has been observed in individual(s) with hereditary spastic paraplegia (PMID: 18200586). This variant is also known as c.1616delC (p.Val540fs). ClinVar contains an entry for this variant (Variation ID: 265420). For these reasons, this variant has been classified as Pathogenic.

PROSPAX: an integrated multimodal progression  chart in spastic ataxias, Center for Neurology; Hertie-Institute for Clinical Brain Research
Classification: Pathogenic for Hereditary spastic paraplegia 7. Last evaluated: 2022-01-01. Review status: criteria provided, single submitter. Criteria: ACMG Guidelines, 2015. Collection method: research. Allele origin: germline. Affected: yes. Observed: 1 variant allele, 1 compound heterozygote.

Genome Diagnostics Laboratory, The Hospital for Sick Children
Classification: Pathogenic for Hereditary spastic paraplegia. Last evaluated: 2021-06-20. Review status: criteria provided, single submitter. Criteria: ACMG Guidelines, 2015. Collection method: clinical testing. Allele origin: germline. Affected: yes.

CeGaT Center for Human Genetics Tuebingen
Classification: Pathogenic. Last evaluated: 2017-09-01. Review status: criteria provided, single submitter. Criteria: CeGaT Center For Human Genetics Tuebingen Variant Classification Criteria Version 2. Collection method: clinical testing. Allele origin: germline. Affected: yes. Observed: 1 variant allele.

GeneDx
Classification: Pathogenic. Last evaluated: 2016-08-25. Review status: criteria provided, single submitter. Criteria: GeneDx Variant Classification (06012015). Collection method: clinical testing. Allele origin: germline. Affected: yes.
Comment: The c.1617delC variant in the SPG7 gene has been reported previously in association with hereditary spastic paraplegia in an individual who was homozygous for c.1617delC and an individual who was heterozygous for c.1617delC and a large deletion of the SPG7 gene (Arnoldi et al., 2008; Orsucci et al., 2014). The deletion causes a frameshift starting with codon Valine 540, changes this amino acid to a Cysteine residue and creates a premature Stop codon at position 52 of the new reading frame, denoted p.Val540CysfsX52. This pathogenic variant is predicted to cause loss of normal protein function either through protein truncation or nonsense-mediated mRNA decay.

OMIM
Classification: Pathogenic for SPASTIC PARAPLEGIA 7, AUTOSOMAL RECESSIVE, WITHOUT CEREBELLAR ATAXIA. Last evaluated: 2008-04-01. Review status: no assertion criteria provided. Collection method: literature only. Allele origin: germline. Not counted in ClinVar's aggregate classification.

Literature cited by the submitters: PubMed 21623769 (cited by Labcorp Genetics (formerly Invitae), Labcorp); PubMed 22964162 (cited by Labcorp Genetics (formerly Invitae), Labcorp); PubMed 18200586 (cited by Labcorp Genetics (formerly Invitae), Labcorp and OMIM).